The following is an entry in ClinVar:

ClinVar aggregate classification (germline): Uncertain significance. Review status: criteria provided, multiple submitters, no conflicts (2 of 4 stars). 2 submissions from 2 submitters: Uncertain significance (2). Last evaluated 2025-05-06.

Allele frequency attached by ClinVar (database versions not stated): gnomAD 0.00001; ExAC 0.00002; 1000 Genomes Project 30x 0.00016; 1000 Genomes Project 0.00020.
gnomAD v4.1: 10 of 1,613,062 alleles (0.00062%); highest among the groups gnomAD compares: South Asian, 0.0099%; no homozygotes.

Submissions (2):

Ambry Genetics
Classification: Uncertain significance. Last evaluated: 2025-05-06. Review status: criteria provided, single submitter. Criteria: Ambry Variant Classification Scheme 2023. Collection method: clinical testing. Allele origin: germline.

Labcorp Genetics (formerly Invitae), Labcorp
Classification: Uncertain significance. Last evaluated: 2023-11-15. Review status: criteria provided, single submitter. Criteria: Invitae Variant Classification Sherloc (09022015). Collection method: clinical testing. Allele origin: germline.
Comment: This sequence change replaces cysteine, which is neutral and slightly polar, with serine, which is neutral and polar, at codon 277 of the CCDC88A protein (p.Cys277Ser). This variant is present in population databases (rs535427257, gnomAD 0.02%). This variant has not been reported in the literature in individuals affected with CCDC88A-related conditions. An algorithm developed to predict the effect of missense changes on protein structure and function (PolyPhen-2) suggests that this variant is likely to be tolerated. In summary, the available evidence is currently insufficient to determine the role of this variant in disease. Therefore, it has been classified as a Variant of Uncertain Significance.

NM_001365480.1(CCDC88A):c.829T>A (p.Cys277Ser)

Gene: CCDC88A (coiled-coil and HOOK domain protein 88A; minus strand). Cytogenetic location: 2p16.1.
Variant type: single nucleotide variant.
Coding change: c.829T>A on transcript NM_001365480.1 (MANE Select); coding-DNA position 829, T replaced by A.
Protein change: p.Cys277Ser; replaces cysteine 277 with serine.
Molecular consequence: missense variant.
Genome position (GRCh38, 1-based): chr2:55,349,571, A>T on the plus strand (T>A on the coding strand, the complement: CCDC88A is on the minus strand). VCF-style: chr2-55349571-A-T. GRCh37 (hg19) VCF-style: chr2-55576707-A-T.
Other names: c.829T>A (NM_001135597.1); c.829T>A, p.Cys277Ser (NM_001135597.2, NM_001254943.2, NM_018084.5); short protein forms C277S.
Identifiers: ClinVar variation 2959029 (VCV002959029.4), dbSNP rs535427257, ClinGen allele CA1666276.
Genomic context (GRCh38, chr2:55,349,571, plus strand): 5'-TACAAACCTCTTGTTGCAGCCTTTTGAGTTCTATTTCCATTTGCTCAAGTTCTTGTTTAC[A>T]ATCCAACAACTGCTCAGTCTTTTCCTCCCTTAAATGCAAAAATATATTCATTAAGTATAC-3'
Protein context (NP_001352409.1, residues 267-287): LEEKTEQLLD[Cys277Ser]KQELEQMEIE